The following is an entry in ClinVar:

ClinVar aggregate classification (germline): Uncertain significance. Review status: criteria provided, multiple submitters, no conflicts (2 of 4 stars). 2 submissions from 2 submitters: Uncertain significance (2). Last evaluated 2026-05-03.

Conditions:
Cardiovascular phenotype. Identifiers: MedGen CN230736.
Long QT syndrome (LQTS). Identifiers: MedGen C0023976, MeSH D008133, MONDO:0002442. Disease mechanism: loss of function. Inheritance: Various modes of inheritance.

Submissions (2):

Ambry Genetics
Classification: Uncertain significance for Cardiovascular phenotype. Last evaluated: 2026-05-03. Review status: criteria provided, single submitter. Criteria: Ambry Variant Classification Scheme 2023. Collection method: clinical testing. Allele origin: germline.
Comment: The p.T631M variant (also known as c.1892C>T), located in coding exon 13 of the CACNA1C gene, results from a C to T substitution at nucleotide position 1892. The threonine at codon 631 is replaced by methionine, an amino acid with similar properties. This amino acid position is conserved. In addition, this alteration is predicted to be deleterious by in silico analysis. Based on the available evidence, the clinical significance of this variant remains unclear.

Labcorp Genetics (formerly Invitae), Labcorp
Classification: Uncertain significance for Long QT syndrome. Last evaluated: 2025-07-03. Review status: criteria provided, single submitter. Criteria: Invitae Variant Classification Sherloc (09022015). Collection method: clinical testing. Allele origin: germline.
Comment: This sequence change replaces threonine, which is neutral and polar, with methionine, which is neutral and non-polar, at codon 631 of the CACNA1C protein (p.Thr631Met). This variant is not present in population databases (gnomAD no frequency). This variant has not been reported in the literature in individuals affected with CACNA1C-related conditions. ClinVar contains an entry for this variant (Variation ID: 3014061). Invitae Evidence Modeling of protein sequence and biophysical properties (such as structural, functional, and spatial information, amino acid conservation, physicochemical variation, residue mobility, and thermodynamic stability) indicates that this missense variant is expected to disrupt CACNA1C protein function with a positive predictive value of 95%. In summary, the available evidence is currently insufficient to determine the role of this variant in disease. Therefore, it has been classified as a Variant of Uncertain Significance.

NM_000719.7(CACNA1C):c.1892C>T (p.Thr631Met)

Gene: CACNA1C (calcium voltage-gated channel subunit alpha1 C; plus strand). Cytogenetic location: 12p13.33.
Variant type: single nucleotide variant.
Coding change: c.1892C>T on transcript NM_000719.7 (MANE Select); coding-DNA position 1892, C replaced by T.
Protein change: p.Thr631Met; replaces threonine 631 with methionine.
Molecular consequence: missense variant.
Genome position (GRCh38, 1-based): chr12:2,567,791, C>T. VCF-style: chr12-2567791-C-T. GRCh37 (hg19) VCF-style: chr12-2676957-C-T.
Other names: c.1892C>T, p.Thr631Met (NM_001129837.2, NM_001129838.2, NM_001129839.2 and 18 more transcripts); c.1883C>T, p.Thr628Met (NM_001129844.2); short protein forms T631M, T628M.
Identifiers: ClinVar variation 3014061 (VCV003014061.4), dbSNP rs1044268263, ClinGen allele CA231615021.
Genomic context (GRCh38, chr12:2,567,791, plus strand): 5'-TGTCCCCACTGGGCATCTCCGTGCTCAGATGCGTCCGGCTGCTGAGGATTTTCAAGATCA[C>T]GAGGTACTGGGCTCCCCCTCTCACTTTGAAGAGGGGACTCAGGAAGAAGTTCTTCCAGAG-3'
Protein context (NP_000710.5, residues 621-641): CVRLLRIFKI[Thr631Met]RYWNSLSNLV